The following is an entry in ClinVar:

NM_001130438.3(SPTAN1):c.3520-93A>G

Gene: SPTAN1 (spectrin alpha, non-erythrocytic 1; plus strand). Cytogenetic location: 9q34.11.
Variant type: single nucleotide variant.
Coding change: c.3520-93A>G on transcript NM_001130438.3 (MANE Select); 93 bases into the intron before coding-DNA position 3520, A replaced by G.
Molecular consequence: intron variant.
Genome position (GRCh38, 1-based): chr9:128,598,870, A>G. VCF-style: chr9-128598870-A-G. GRCh37 (hg19) VCF-style: chr9-131361149-A-G.
Other names: c.3520-93A>G (NM_001363759.2, NM_003127.4); c.3460-93A>G (NM_001363765.2, NM_001195532.2).
Identifiers: ClinVar variation 674479 (VCV000674479.1), dbSNP rs78493234, ClinGen allele CA200392420.

ClinVar aggregate classification (germline): Benign (1 of 4 stars; one submission).

Allele frequency attached by ClinVar (database versions not stated): 1000 Genomes Project 0.01997; 1000 Genomes Project 30x 0.02077; gnomAD 0.02116 and 0.02287; TOPMed 0.02477.
gnomAD v4.1: 5,532 of 1,148,038 alleles (0.48%); highest among the groups gnomAD compares: African/African-American, 7.4%; 187 homozygotes.

Submission:

GeneDx
Classification: Benign. Last evaluated: 2018-06-14. Review status: criteria provided, single submitter. Criteria: GeneDx Variant Classification (06012015). Collection method: clinical testing. Allele origin: germline. Affected: yes.
Comment: This variant is considered likely benign or benign based on one or more of the following criteria: it is a conservative change, it occurs at a poorly conserved position in the protein, it is predicted to be benign by multiple in silico algorithms, and/or has population frequency not consistent with disease.